The following is an entry in ClinVar:

ClinVar aggregate classification (germline): Uncertain significance (1 of 4 stars; one submission).

Conditions:
Hereditary cancer-predisposing syndrome. Also called: Neoplastic Syndromes, Hereditary; Tumor predisposition; Hereditary neoplastic syndrome; Hereditary Cancer Syndrome. Identifiers: Orphanet 140162, MedGen C0027672, MeSH D009386, MONDO:0015356.
Cardiovascular phenotype. Identifiers: MedGen CN230736.

gnomAD v4.1: 2 of 1,613,504 alleles (0.00012%); highest among the groups gnomAD compares: East Asian, 0.0022%; no homozygotes.

Submission:

Ambry Genetics
Classification: Uncertain significance for Cardiovascular phenotype; Hereditary cancer-predisposing syndrome. Last evaluated: 2024-01-07. Review status: criteria provided, single submitter. Criteria: Ambry Variant Classification Scheme 2023. Collection method: clinical testing. Allele origin: germline.
Comment: The p.A662E variant (also known as c.1985C>A), located in coding exon 17 of the LZTR1 gene, results from a C to A substitution at nucleotide position 1985. The alanine at codon 662 is replaced by glutamic acid, an amino acid with dissimilar properties. This amino acid position is conserved. In addition, this alteration is predicted to be tolerated by in silico analysis. Since supporting evidence is limited at this time, the clinical significance of this alteration remains unclear.

NM_006767.4(LZTR1):c.1985C>A (p.Ala662Glu)

Gene: LZTR1 (leucine zipper like post translational regulator 1; plus strand). Cytogenetic location: 22q11.21.
Variant type: single nucleotide variant.
Coding change: c.1985C>A on transcript NM_006767.4 (MANE Select); coding-DNA position 1985, C replaced by A.
Protein change: p.Ala662Glu; replaces alanine 662 with glutamic acid.
Molecular consequence: missense variant.
Genome position (GRCh38, 1-based): chr22:20,995,788, C>A. VCF-style: chr22-20995788-C-A. GRCh37 (hg19) VCF-style: chr22-21350077-C-A.
Other names: short protein forms A662E.
Identifiers: ClinVar variation 3238184 (VCV003238184.1), dbSNP rs200248773.